The following is an entry in ClinVar:

ClinVar aggregate classification (germline): Uncertain significance. Review status: criteria provided, multiple submitters, no conflicts (2 of 4 stars). 3 submissions from 3 submitters: Uncertain significance (3). Last evaluated 2024-10-13.

Conditions:
Cardiovascular phenotype. Identifiers: MedGen CN230736.
Atrial septal defect 4 (ASD4). Identifiers: Orphanet 1478, MedGen C1969657, MONDO:0012654, OMIM 611363.

Allele frequency attached by ClinVar (database versions not stated): ExAC 0.00001; gnomAD exomes 0.00002; gnomAD 0.00003; TOPMed 0.00003.
gnomAD v4.1: 71 of 1,613,706 alleles (0.0044%); highest among the groups gnomAD compares: East Asian, 0.029%; no homozygotes.

Submissions (3):

Labcorp Genetics (formerly Invitae), Labcorp
Classification: Uncertain significance. Last evaluated: 2024-10-13. Review status: criteria provided, single submitter. Criteria: Invitae Variant Classification Sherloc (09022015). Collection method: clinical testing. Allele origin: germline.
Comment: This sequence change replaces threonine, which is neutral and polar, with methionine, which is neutral and non-polar, at codon 262 of the TBX20 protein (p.Thr262Met). This variant is present in population databases (rs747369702, gnomAD 0.03%). This missense change has been observed in individual(s) with TBX20-related conditions (PMID: 18834961, 27642787). ClinVar contains an entry for this variant (Variation ID: 1388244). Invitae Evidence Modeling of protein sequence and biophysical properties (such as structural, functional, and spatial information, amino acid conservation, physicochemical variation, residue mobility, and thermodynamic stability) indicates that this missense variant is not expected to disrupt TBX20 protein function with a negative predictive value of 80%. In summary, the available evidence is currently insufficient to determine the role of this variant in disease. Therefore, it has been classified as a Variant of Uncertain Significance.

Ambry Genetics
Classification: Uncertain significance for Cardiovascular phenotype. Last evaluated: 2024-04-12. Review status: criteria provided, single submitter. Criteria: Ambry Variant Classification Scheme 2023. Collection method: clinical testing. Allele origin: germline.
Comment: The p.T262M variant (also known as c.785C>T), located in coding exon 5 of the TBX20 gene, results from a C to T substitution at nucleotide position 785. The threonine at codon 262 is replaced by methionine, an amino acid with similar properties. This alteration has been reported to have arisen de novo in two individuals, one with left ventricular noncompaction and one with tetralogy of Fallot, patent foramen ovale, and patent ductus arteriosus (Liu C et al. 2008. Eur J Med Genet Sep;51:580-7; Kodo K et al. Nat. Cell Biol., 2016 10;18:1031-42). This amino acid position is highly conserved in available vertebrate species. In addition, this alteration is predicted to be deleterious by in silico analysis. Since supporting evidence is limited at this time, the clinical significance of this alteration remains unclear.

Fulgent Genetics
Classification: Uncertain significance for Atrial septal defect 4. Last evaluated: 2021-10-25. Review status: criteria provided, single submitter. Criteria: ACMG Guidelines, 2015. Collection method: clinical testing. Allele origin: unknown.

Literature cited by the submitters: PubMed 18834961 (cited by Labcorp Genetics (formerly Invitae), Labcorp and Ambry Genetics); PubMed 27642787 (cited by Labcorp Genetics (formerly Invitae), Labcorp and Ambry Genetics).

NM_001077653.2(TBX20):c.785C>T (p.Thr262Met)

Gene: TBX20 (T-box transcription factor 20; minus strand). Cytogenetic location: 7p14.2.
Variant type: single nucleotide variant.
Coding change: c.785C>T on transcript NM_001077653.2 (MANE Select); coding-DNA position 785, C replaced by T.
Protein change: p.Thr262Met; replaces threonine 262 with methionine.
Molecular consequence: missense variant.
Genome position (GRCh38, 1-based): chr7:35,240,907, G>A on the plus strand (C>T on the coding strand, the complement: TBX20 is on the minus strand). VCF-style: chr7-35240907-G-A. GRCh37 (hg19) VCF-style: chr7-35280519-G-A.
Other names: c.785C>T, p.Thr262Met (NM_001166220.1); short protein forms T262M.
Identifiers: ClinVar variation 1388244 (VCV001388244.10), dbSNP rs747369702, ClinGen allele CA4217432.